The following is an entry in ClinVar:

NM_001356.5(DDX3X):c.592A>C (p.Thr198Pro)

Gene: DDX3X (DEAD-box helicase 3 X-linked; plus strand). Cytogenetic location: Xp11.4.
Variant type: single nucleotide variant.
Coding change: c.592A>C on transcript NM_001356.5 (MANE Select); coding-DNA position 592, A replaced by C.
Protein change: p.Thr198Pro; replaces threonine 198 with proline.
Molecular consequence: missense variant. On other transcripts: non-coding transcript variant (1).
Genome position (GRCh38, 1-based): chrX:41,343,264, A>C. VCF-style: chrX-41343264-A-C. GRCh37 (hg19) VCF-style: chrX-41202517-A-C.
Other names: c.592A>C, p.Thr198Pro (NM_001193416.3); c.544A>C, p.Thr182Pro (NM_001193417.3); c.34A>C, p.Thr12Pro (NM_001363819.1); short protein forms T198P, T12P, T182P.
Identifiers: ClinVar variation 451547 (VCV000451547.2), dbSNP rs1555953158, ClinGen allele CA412767937.

ClinVar aggregate classification (germline): Likely pathogenic (1 of 4 stars; one submission).

Submission:

GeneDx
Classification: Likely pathogenic. Last evaluated: 2017-10-30. Review status: criteria provided, single submitter. Criteria: GeneDx Variant Classification (06012015). Collection method: clinical testing. Allele origin: germline. Affected: yes.
Comment: The T198P variant in the DDX3X gene has not been reported previously as a pathogenic variant, nor as a benign variant, to our knowledge. The T198P variant is not observed in large population cohorts (Lek et al., 2016; 1000 Genomes Consortium et al., 2015; Exome Variant Server). The T198P variant is a non-conservative amino acid substitution, which is likely to impact secondary protein structure as these residues differ in polarity, charge, size and/or other properties. This substitution occurs at a position where amino acids with similar properties to Threonine are tolerated across species. In silico analysis is inconsistent in its predictions as to whether or not the variant is damaging to the protein structure/function. We interpret T198P as a likely pathogenic variant.